The following is an entry in ClinVar:

NM_052947.4(ALPK2):c.507C>A (p.Asn169Lys)

Gene: ALPK2 (alpha kinase 2; minus strand). Cytogenetic location: 18q21.31.
Variant type: single nucleotide variant.
Coding change: c.507C>A on transcript NM_052947.4 (MANE Select); coding-DNA position 507, C replaced by A.
Protein change: p.Asn169Lys; replaces asparagine 169 with lysine.
Molecular consequence: missense variant.
Genome position (GRCh38, 1-based): chr18:58,580,269, G>T on the plus strand (C>A on the coding strand, the complement: ALPK2 is on the minus strand). VCF-style: chr18-58580269-G-T. GRCh37 (hg19) VCF-style: chr18-56247501-G-T.
Other names: short protein forms N169K.
Identifiers: ClinVar variation 3228784 (VCV003228784.1), dbSNP rs1186286106, ClinGen allele CA402567824.

ClinVar aggregate classification (germline): Uncertain significance (1 of 4 stars; one submission).

Submission:

Ambry Genetics
Classification: Uncertain significance. Last evaluated: 2024-03-02. Review status: criteria provided, single submitter. Criteria: Ambry Variant Classification Scheme 2023. Collection method: clinical testing. Allele origin: germline.
Comment: The p.N169K variant (also known as c.507C>A), located in coding exon 3 of the ALPK2 gene, results from a C to A substitution at nucleotide position 507. The asparagine at codon 169 is replaced by lysine, an amino acid with similar properties. This amino acid position is conserved. In addition, this alteration is predicted to be tolerated by in silico analysis. Based on the available evidence, the clinical significance of this alteration remains unclear.